The following is an entry in ClinVar:

NM_030665.4(RAI1):c.680A>G (p.Gln227Arg)

Gene: RAI1 (retinoic acid induced 1; plus strand). Cytogenetic location: 17p11.2.
Variant type: single nucleotide variant.
Coding change: c.680A>G on transcript NM_030665.4 (MANE Select); coding-DNA position 680, A replaced by G.
Protein change: p.Gln227Arg; replaces glutamine 227 with arginine.
Molecular consequence: missense variant.
Genome position (GRCh38, 1-based): chr17:17,793,628, A>G. VCF-style: chr17-17793628-A-G. GRCh37 (hg19) VCF-style: chr17-17696942-A-G.
Other names: short protein forms Q227R.
Identifiers: ClinVar variation 4851322 (VCV004851322.1).
Genomic context (GRCh38, chr17:17,793,628, plus strand): 5'-CCCACTTTCCTCAGCATTCCCAGTCCTTCCCCACCTCCTCCACCTACTCCTCCTCTGTCC[A>G]GGGTGGTGGGCAGGGGGCCCACTCCTATAAGAGTTGCACAGCACCGACTGCCCAGCCCCA-3'
Protein context (NP_109590.3, residues 217-237): PTSSTYSSSV[Gln227Arg]GGGQGAHSYK

ClinVar aggregate classification (germline): Likely benign (1 of 4 stars; one submission).

Conditions:
Smith-Magenis syndrome (SMS). Also called: CHROMOSOME 17p11.2 DELETION SYNDROME. Identifiers: Orphanet 819, MedGen C0795864, MONDO:0008434, OMIM 182290.

gnomAD v4.1: 1 of 1,613,272 alleles (0.000062%); highest among the groups gnomAD compares: Non-Finnish European, 0.000085%; no homozygotes.

Submission:

Centre for Medical Genetics,  Mumbai
Classification: Likely benign for Smith-Magenis syndrome. Last evaluated: 2026-04-06. Review status: criteria provided, single submitter. Criteria: ACMG Guidelines, 2015. Collection method: provider interpretation. Allele origin: germline. Inheritance: Autosomal dominant inheritance. Affected: no. Observed: 1 variant allele, 1 homozygote.
Comment: The variant satisfies PM2 criteria; Extremely low frequency in gnomAD population databases. The variant satisfies BP4 criteria; For a missense or a splice region variant, computational prediction tools unanimously support a benign effect on the gene. However, the variant satisfies BS2 criteria.

Literature cited by the submitters: PubMed 8401506.